The following is an entry in ClinVar:

ClinVar aggregate classification (germline): Uncertain significance (1 of 4 stars; one submission).

gnomAD v4.1: 3 of 1,613,138 alleles (0.00019%); highest among the groups gnomAD compares: Non-Finnish European, 0.00025%; no homozygotes.

Submission:

CeGaT Center for Human Genetics Tuebingen
Classification: Uncertain significance. Last evaluated: 2025-07-01. Review status: criteria provided, single submitter. Criteria: CeGaT Center For Human Genetics Tuebingen Variant Classification Criteria Version 2. Collection method: clinical testing. Allele origin: germline. Affected: yes. Observed: 1 variant allele.
Comment: AGO1: PP2

NM_012199.5(AGO1):c.2463C>A (p.Asp821Glu)

Gene: AGO1 (argonaute RISC component 1; plus strand). Cytogenetic location: 1p34.3.
Variant type: single nucleotide variant.
Coding change: c.2463C>A on transcript NM_012199.5 (MANE Select); coding-DNA position 2463, C replaced by A.
Protein change: p.Asp821Glu; replaces aspartic acid 821 with glutamic acid.
Molecular consequence: missense variant.
Genome position (GRCh38, 1-based): chr1:35,919,252, C>A. VCF-style: chr1-35919252-C-A. GRCh37 (hg19) VCF-style: chr1-36384853-C-A.
Other names: c.2463C>A, p.Asp821Glu (NM_001317122.2); c.2238C>A, p.Asp746Glu (NM_001317123.2); short protein forms D746E, D821E.
Identifiers: ClinVar variation 4085296 (VCV004085296.8).